The following is an entry in ClinVar:

ClinVar aggregate classification (germline): Uncertain significance (1 of 4 stars; one submission).

Conditions:
Familial adenomatous polyposis 1 (FAP1). Also called: FAMILIAL ADENOMATOUS POLYPOSIS 1, ATTENUATED; POLYPOSIS, ADENOMATOUS INTESTINAL. Identifiers: MedGen C2713442, MONDO:0021056, OMIM 175100. Disease mechanism: loss of function.

Submission:

Labcorp Genetics (formerly Invitae), Labcorp
Classification: Uncertain significance for Familial adenomatous polyposis 1. Last evaluated: 2025-08-30. Review status: criteria provided, single submitter. Criteria: Invitae Variant Classification Sherloc (09022015). Collection method: clinical testing. Allele origin: germline.
Comment: This sequence change replaces glutamic acid, which is acidic and polar, with lysine, which is basic and polar, at codon 1216 of the APC protein (p.Glu1216Lys). This variant is not present in population databases (gnomAD no frequency). This variant has not been reported in the literature in individuals affected with APC-related conditions. Invitae Evidence Modeling of protein sequence and biophysical properties (such as structural, functional, and spatial information, amino acid conservation, physicochemical variation, residue mobility, and thermodynamic stability) indicates that this missense variant is not expected to disrupt APC protein function with a negative predictive value of 95%. In summary, the available evidence is currently insufficient to determine the role of this variant in disease. Therefore, it has been classified as a Variant of Uncertain Significance.

NM_000038.6(APC):c.3646G>A (p.Glu1216Lys)

Gene: APC (APC regulator of Wnt signaling pathway; plus strand). Cytogenetic location: 5q22.2.
Variant type: single nucleotide variant.
Coding change: c.3646G>A on transcript NM_000038.6 (MANE Select); coding-DNA position 3646, G replaced by A.
Protein change: p.Glu1216Lys; replaces glutamic acid 1216 with lysine.
Molecular consequence: missense variant. On other transcripts: non-coding transcript variant (2).
Genome position (GRCh38, 1-based): chr5:112,839,240, G>A. VCF-style: chr5-112839240-G-A. GRCh37 (hg19) VCF-style: chr5-112174937-G-A.
Other names: c.3646G>A, p.Glu1216Lys (NM_001127510.3, NM_001354895.2, NM_001407450.1); c.3592G>A, p.Glu1198Lys (NM_001127511.3); c.3700G>A, p.Glu1234Lys (NM_001354896.2, NM_001407447.1, NM_001407448.1 and 1 more transcripts); c.3676G>A, p.Glu1226Lys (NM_001354897.2); c.3571G>A, p.Glu1191Lys (NM_001354898.2); c.3562G>A, p.Glu1188Lys (NM_001354899.2); c.3523G>A, p.Glu1175Lys (NM_001354900.2); c.3469G>A, p.Glu1157Lys (NM_001354901.2, NM_001407453.1); and 11 more; short protein forms E1056K, E1087K, E1090K, E1115K, E1125K, E1133K, E1157K, E1175K.
Identifiers: ClinVar variation 4801473 (VCV004801473.1).
Genomic context (GRCh38, chr5:112,839,240, plus strand): 5'-TCATTCTCAAAGAGTTCATCTGGACAAAGCAGTAAAACCGAACATATGTCTTCAAGCAGT[G>A]AGAATACGTCCACACCTTCATCTAATGCCAAGAGGCAGAATCAGCTCCATCCAAGTTCTG-3'
Protein context (NP_000029.2, residues 1206-1226): SKTEHMSSSS[Glu1216Lys]NTSTPSSNAK